The following is an entry in ClinVar:

NM_000308.4(CTSA):c.60del (p.Ser21fs)

Genes: CTSA (cathepsin A; plus strand), LOC130065974 (ATAC-STARR-seq lymphoblastoid active region 17954; plus strand). Cytogenetic location: 20q13.12.
Variant type: Deletion.
Coding change: c.60del on transcript NM_000308.4 (MANE Select); coding-DNA position 60, one base deleted (G; older notation c.60delG).
Protein change: p.Ser21fs; shifts the reading frame from serine 21.
Molecular consequence: frameshift variant. On other transcripts: non-coding transcript variant (1).
Genome position (GRCh38, 1-based): chr20:45,891,628, G deleted. VCF-style (leftmost placement, unchanged base first): chr20-45891627-TG-T. GRCh37 (hg19) VCF-style: chr20-44520266-TG-T.
Other names: c.60del, p.Ser21fs (NM_001127695.3, NM_001167594.3); c.60delG (NM_000308.4); short protein forms S21fs.
Identifiers: ClinVar variation 1098801 (VCV001098801.3), dbSNP rs750928198, ClinGen allele CA9882918.

ClinVar aggregate classification (germline): Pathogenic (1 of 4 stars; one submission).

Conditions:
Combined deficiency of sialidase AND beta galactosidase (GSL). Also called: NEURAMINIDASE DEFICIENCY WITH BETA-GALACTOSIDASE DEFICIENCY; NEURAMINIDASE/BETA-GALACTOSIDASE EXPRESSION; PPCA DEFICIENCY; PROTECTIVE PROTEIN/CATHEPSIN A DEFICIENCY; CATHEPSIN A DEFICIENCY; GOLDBERG SYNDROME. Identifiers: Orphanet 351, MedGen C0268233, MONDO:0009737, OMIM 256540.

Allele frequency attached by ClinVar (database versions not stated): gnomAD exomes below 0.00001 and 0.00001; ExAC 0.00001; gnomAD 0.00003 and 0.00004; TOPMed 0.00004.

Submission:

Women's Health and Genetics/Laboratory Corporation of America, LabCorp
Classification: Pathogenic for Combined deficiency of sialidase AND beta galactosidase. Last evaluated: 2023-04-06. Review status: criteria provided, single submitter. Criteria: LabCorp Variant Classification Summary - May 2015. Collection method: clinical testing. Allele origin: germline.
Comment: Variant summary: CTSA c.60delG/p.Ser21ProfsX71 (also known as c.114delG/p.Ser39ProfsX71) results in a premature termination codon, predicted to cause a truncation of the encoded protein or absence of the protein due to nonsense mediated decay, which are commonly known mechanisms for disease. Truncations downstream of this position have been classified as pathogenic by our laboratory. The variant allele was found at a frequency of 8.3e-06 in 242104 control chromosomes. c.60delG has been reported in the literature in homozygous and compound heterozygous individuals affected with Galactosialidosis (e.g. Malvagia_2004, Caciotti_2013). These data indicate that the variant is likely to be associated with disease. Several publications report a reduction in beta-galactosidase (GLB1) and neuramidase (NEU1) enzymatic acitvity in fibroblasts from patients with the variant (e.g.Malvagia_2004, Caciotti_2013). No clinical diagnostic laboratories have submitted clinical-significance assessments for this variant to ClinVar after 2014. Based on the evidence outlined above, the variant was classified as pathogenic.

Literature cited by the submitters: PubMed 28603679; PubMed 23915561; PubMed 15110321; PubMed 16538002; PubMed 32036093.